The following is an entry in ClinVar:

NM_001113491.2(SEPTIN9):c.1400C>G (p.Ser467Cys)

Gene: SEPTIN9 (septin 9; plus strand). Cytogenetic location: 17q25.3.
Variant type: single nucleotide variant.
Coding change: c.1400C>G on transcript NM_001113491.2 (MANE Select); coding-DNA position 1400, C replaced by G.
Protein change: p.Ser467Cys; replaces serine 467 with cysteine.
Molecular consequence: missense variant.
Genome position (GRCh38, 1-based): chr17:77,492,640, C>G. VCF-style: chr17-77492640-C-G. GRCh37 (hg19) VCF-style: chr17-75488722-C-G.
Other names: c.908C>G, p.Ser303Cys (NM_001113492.2, NM_001113494.1); c.1379C>G, p.Ser460Cys (NM_001113493.2); c.647C>G, p.Ser216Cys (NM_001113495.2, NM_001113496.2, NM_001293697.2 and 1 more transcripts); c.1343C>G, p.Ser448Cys (NM_001293695.2); c.728C>G, p.Ser243Cys (NM_001293696.2); c.1346C>G, p.Ser449Cys (NM_006640.5); short protein forms S216C, S243C, S303C, S448C, S449C, S460C, S467C.
Identifiers: ClinVar variation 2445481 (VCV002445481.4), dbSNP rs1324801735, ClinGen allele CA401209707.

ClinVar aggregate classification (germline): Uncertain significance (1 of 4 stars; one submission).

Allele frequency attached by ClinVar (database versions not stated): gnomAD 0.00001.
gnomAD v4.1: 2 of 1,613,974 alleles (0.00012%); highest among the groups gnomAD compares: African/African-American, 0.0013%; no homozygotes.

Submission:

Labcorp Genetics (formerly Invitae), Labcorp
Classification: Uncertain significance. Last evaluated: 2024-10-16. Review status: criteria provided, single submitter. Criteria: Invitae Variant Classification Sherloc (09022015). Collection method: clinical testing. Allele origin: germline.
Comment: This sequence change replaces serine, which is neutral and polar, with cysteine, which is neutral and slightly polar, at codon 449 of the SEPT9 protein (p.Ser449Cys). This variant is present in population databases (no rsID available, gnomAD 0.0009%). This variant has not been reported in the literature in individuals affected with SEPT9-related conditions. ClinVar contains an entry for this variant (Variation ID: 2445481). Invitae Evidence Modeling of protein sequence and biophysical properties (such as structural, functional, and spatial information, amino acid conservation, physicochemical variation, residue mobility, and thermodynamic stability) indicates that this missense variant is not expected to disrupt SEPT9 protein function with a negative predictive value of 80%. In summary, the available evidence is currently insufficient to determine the role of this variant in disease. Therefore, it has been classified as a Variant of Uncertain Significance.